The following is an entry in ClinVar:

NM_000218.3(KCNQ1):c.686G>T (p.Gly229Val)

Gene: KCNQ1 (potassium voltage-gated channel subfamily Q member 1; plus strand). Cytogenetic location: 11p15.5.
Variant type: single nucleotide variant.
Coding change: c.686G>T on transcript NM_000218.3 (MANE Select); coding-DNA position 686, G replaced by T.
Protein change: p.Gly229Val; replaces glycine 229 with valine.
Molecular consequence: missense variant.
Genome position (GRCh38, 1-based): chr11:2,572,015, G>T. VCF-style: chr11-2572015-G-T. GRCh37 (hg19) VCF-style: chr11-2593245-G-T.
Other names: c.686G>T, p.Gly229Val (NM_001406836.1); c.416G>T, p.Gly139Val (NM_001406837.1); c.305G>T, p.Gly102Val (NM_181798.2); short protein forms G102V, G229V, G139V.
Identifiers: ClinVar variation 1524734 (VCV001524734.9), dbSNP rs199472708, ClinGen allele CA379130903.

ClinVar aggregate classification (germline): Uncertain significance (1 of 4 stars; one submission).

Conditions:
Long QT syndrome (LQTS). Identifiers: MedGen C0023976, MeSH D008133, MONDO:0002442. Disease mechanism: loss of function. Inheritance: Various modes of inheritance.

Submission:

Labcorp Genetics (formerly Invitae), Labcorp
Classification: Uncertain significance for Long QT syndrome. Last evaluated: 2021-01-06. Review status: criteria provided, single submitter. Criteria: Invitae Variant Classification Sherloc (09022015). Collection method: clinical testing. Allele origin: germline.
Comment: In summary, the available evidence is currently insufficient to determine the role of this variant in disease. Therefore, it has been classified as a Variant of Uncertain Significance. Algorithms developed to predict the effect of missense changes on protein structure and function (SIFT, PolyPhen-2, Align-GVGD) all suggest that this variant is likely to be disruptive, but these predictions have not been confirmed by published functional studies and their clinical significance is uncertain. This variant has not been reported in the literature in individuals with KCNQ1-related conditions. This variant is not present in population databases (ExAC no frequency). This sequence change replaces glycine with valine at codon 229 of the KCNQ1 protein (p.Gly229Val). The glycine residue is highly conserved and there is a moderate physicochemical difference between glycine and valine.